The following is an entry in ClinVar:

NM_000551.4(VHL):c.463G>C (p.Val155Leu)

Genes: VHL (von Hippel-Lindau tumor suppressor; plus strand), LOC107303340 (3p25 von Hippel-Lindau tumor suppressor, E3 ubiquitin protein ligase Alu-mediated recombination region; plus strand). Cytogenetic location: 3p25.3.
Variant type: single nucleotide variant.
Coding change: c.463G>C on transcript NM_000551.4 (MANE Select); coding-DNA position 463, G replaced by C.
Protein change: p.Val155Leu; replaces valine 155 with leucine.
Molecular consequence: missense variant. On other transcripts: intron variant (2).
Genome position (GRCh38, 1-based): chr3:10,146,636, G>C. VCF-style: chr3-10146636-G-C. GRCh37 (hg19) VCF-style: chr3-10188320-G-C.
Other names: c.*18-3151G>C (NM_001354723.2); c.341-3151G>C (NM_198156.3); short protein forms V155L.
Identifiers: ClinVar variation 1023631 (VCV001023631.12), dbSNP rs869025659, ClinGen allele CA351754415.
Genomic context (GRCh38, chr3:10,146,636, plus strand): 5'-TTATTTGTGCCATCTCTCAATGTTGACGGACAGCCTATTTTTGCCAATATCACACTGCCA[G>C]GTACTGACGTTTTACTTTTTAAAAAGATAAGGTTGTTGTGGTAAGTACAGGATAGACCAC-3'
Protein context (NP_000542.1, residues 145-165): QPIFANITLP[Val155Leu]YTLKERCLQV

ClinVar aggregate classification (germline): Conflicting classifications of pathogenicity. Review status: criteria provided, conflicting classifications (1 of 4 stars). 2 submissions from 2 submitters: Likely pathogenic (1); Uncertain significance (1). Last evaluated 2020-09-18.

Conditions:
Von Hippel-Lindau syndrome (VHLS). Also called: Von Hippel-Lindau; von Hippel–Lindau syndrome; VHL syndrome. Identifiers: Orphanet 892, MedGen C0019562, MONDO:0008667, OMIM 193300. Disease mechanism: loss of function.
Chuvash polycythemia. Also called: POLYCYTHEMIA, VHL-DEPENDENT. Identifiers: Orphanet 238557, MedGen C1837915, MONDO:0009892, OMIM 263400.

Submissions (2):

GeneDx
Classification: Likely pathogenic. Last evaluated: 2020-09-18. Review status: criteria provided, single submitter. Criteria: GeneDx Variant Classification Process June 2021. Collection method: clinical testing. Allele origin: germline. Affected: yes.
Comment: Variant at the last nucleotide of the exon in a gene for which loss-of-function is a known mechanism of disease, and splice predictors support a deleterious effect; Not observed in large population cohorts (Lek 2016); Protein-based in silico analysis supports that this missense variant does not alter protein structure/function; This variant is associated with the following publications: (PMID: 29748190, 20233476, 15300849, 25525159, 21463266, 12202531)

Labcorp Genetics (formerly Invitae), Labcorp
Classification: Uncertain significance for Von Hippel-Lindau syndrome; Chuvash polycythemia. Last evaluated: 2020-07-03. Review status: criteria provided, single submitter. Criteria: Invitae Variant Classification Sherloc (09022015). Collection method: clinical testing. Allele origin: germline.
Comment: In summary, the available evidence is currently insufficient to determine the role of this variant in disease. Therefore, it has been classified as a Variant of Uncertain Significance. Nucleotide substitutions within the consensus splice site are a relatively common cause of aberrant splicing (PMID: 17576681, 9536098). Algorithms developed to predict the effect of sequence changes on RNA splicing suggest that this variant may disrupt the consensus splice site, but this prediction has not been confirmed by published transcriptional studies. Algorithms developed to predict the effect of missense changes on protein structure and function are either unavailable or do not agree on the potential impact of this missense change (SIFT: "Deleterious"; PolyPhen-2: "Benign"; Align-GVGD: "Class C25"). This variant has been observed in individual(s) with von Hippel-Lindau (VHL) syndrome (Invitae). This variant is not present in population databases (ExAC no frequency). This sequence change replaces valine with leucine at codon 155 of the VHL protein (p.Val155Leu). The valine residue is highly conserved and there is a small physicochemical difference between valine and leucine. This variant also falls at the last nucleotide of exon 2 of the VHL coding sequence, which is part of the consensus splice site for this exon.

Literature cited by the submitters: PubMed 17576681 (cited by Labcorp Genetics (formerly Invitae), Labcorp); PubMed 9536098 (cited by Labcorp Genetics (formerly Invitae), Labcorp).